The following is an entry in ClinVar:

ClinVar aggregate classification (germline): Uncertain significance (1 of 4 stars; one submission).

Conditions:
ADCY3-related disorder. Also called: ADCY3-related condition.

Submission:

PreventionGenetics, part of Exact Sciences
Classification: Uncertain significance for ADCY3-related condition. Last evaluated: 2025-11-17. Review status: criteria provided, single submitter. Criteria: ACMG Guidelines, 2015. Collection method: clinical testing. Allele origin: germline.
Comment: The ADCY3 c.986C>G variant is predicted to result in the amino acid substitution p.Thr329Ser. To our knowledge, this variant has not been reported in the literature or in a large population database (gnomAD), indicating this variant is rare. At this time, the clinical significance of this variant is uncertain due to the absence of conclusive functional and genetic evidence.

NM_004036.5(ADCY3):c.986C>G (p.Thr329Ser)

Gene: ADCY3 (adenylate cyclase 3; minus strand). Cytogenetic location: 2p23.3.
Variant type: single nucleotide variant.
Coding change: c.986C>G on transcript NM_004036.5 (MANE Select); coding-DNA position 986, C replaced by G.
Protein change: p.Thr329Ser; replaces threonine 329 with serine.
Molecular consequence: missense variant.
Genome position (GRCh38, 1-based): chr2:24,841,638, G>C on the plus strand (C>G on the coding strand, the complement: ADCY3 is on the minus strand). VCF-style: chr2-24841638-G-C. GRCh37 (hg19) VCF-style: chr2-25064507-G-C.
Other names: c.986C>G, p.Thr329Ser (NM_001320613.2, NM_001377128.1, NM_001377129.1 and 2 more transcripts); c.263C>G, p.Thr88Ser (NM_001377131.1); short protein forms T329S, T88S.
Identifiers: ClinVar variation 4995074 (VCV004995074.1).